The following is an entry in ClinVar:

ClinVar aggregate classification (germline): Benign (0 of 4 stars; one submission).

Conditions:
RALGAPB-related disorder. Also called: RALGAPB-related condition.

Allele frequency attached by ClinVar (database versions not stated): gnomAD exomes 0.00047; ExAC 0.00134; gnomAD 0.00422; TOPMed 0.00470; ESP Exome Variant Server 0.00507; 1000 Genomes Project 30x 0.00515; 1000 Genomes Project 0.00539.
gnomAD v4.1: 1,337 of 1,613,988 alleles (0.083%); highest among the groups gnomAD compares: African/African-American, 1.5%; 13 homozygotes.

Submission:

PreventionGenetics, part of Exact Sciences
Classification: Benign for RALGAPB-related condition. Last evaluated: 2019-11-25. Review status: no assertion criteria provided. Collection method: clinical testing. Allele origin: germline.
Comment: This variant is classified as benign based on ACMG/AMP sequence variant interpretation guidelines (Richards et al. 2015 PMID: 25741868, with internal and published modifications).

NM_020336.4(RALGAPB):c.2189C>T (p.Thr730Met)

Gene: RALGAPB (Ral GTPase activating protein non-catalytic subunit beta; plus strand). Cytogenetic location: 20q11.23.
Variant type: single nucleotide variant.
Coding change: c.2189C>T on transcript NM_020336.4 (MANE Select); coding-DNA position 2189, C replaced by T.
Protein change: p.Thr730Met; replaces threonine 730 with methionine.
Molecular consequence: missense variant.
Genome position (GRCh38, 1-based): chr20:38,532,803, C>T. VCF-style: chr20-38532803-C-T. GRCh37 (hg19) VCF-style: chr20-37161446-C-T.
Other names: c.2189C>T, p.Thr730Met (NM_001282917.2, NM_001282918.2); short protein forms T730M.
Identifiers: ClinVar variation 3033190 (VCV003033190.2), dbSNP rs41282830, ClinGen allele CA9854166.
Genomic context (GRCh38, chr20:38,532,803, plus strand): 5'-ATAACCTGAAGAGTCATAGTCGCACCAATAGTGGTATTAGTTCAGCAAGTGGTGGAAGCA[C>T]GGAGCCCACGACTCCCGATAGTGAGAGACCTGCTCAAGCTCTCTTAAGAGATTATGGTTA-3'
Protein context (NP_065069.1, residues 720-740): SGISSASGGS[Thr730Met]EPTTPDSERP